The following is an entry in ClinVar:

NM_001267550.2(TTN):c.94843G>A (p.Glu31615Lys)

Genes: TTN (titin; minus strand), TTN-AS1 (TTN antisense RNA 1; plus strand). Cytogenetic location: 2q31.2.
Variant type: single nucleotide variant.
Coding change: c.94843G>A on transcript NM_001267550.2 (MANE Select); coding-DNA position 94843, G replaced by A.
Protein change: p.Glu31615Lys; replaces glutamic acid 31615 with lysine.
Molecular consequence: missense variant.
Genome position (GRCh38, 1-based): chr2:178,546,488, C>T on the plus strand (G>A on the coding strand, the complement: TTN is on the minus strand). VCF-style: chr2-178546488-C-T. GRCh37 (hg19) VCF-style: chr2-179411215-C-T.
Other names: p.Glu29974Lys; c.89920G>A, p.Glu29974Lys (NM_001256850.1); c.67648G>A, p.Glu22550Lys (NM_003319.4); c.87139G>A, p.Glu29047Lys (NM_133378.4); c.68023G>A, p.Glu22675Lys (NM_133432.3); c.68224G>A, p.Glu22742Lys (NM_133437.4); short protein forms E22550K, E22675K, E22742K, E29047K, E31615K, E29974K.
Identifiers: ClinVar variation 1755317 (VCV001755317.6), dbSNP rs72648254, ClinGen allele CA1987057.

ClinVar aggregate classification (germline): Uncertain significance. Review status: criteria provided, multiple submitters, no conflicts (2 of 4 stars). 3 submissions from 3 submitters: Uncertain significance (3). Last evaluated 2022-04-14.

Conditions:
Cardiovascular phenotype. Identifiers: MedGen CN230736.

Allele frequency attached by ClinVar (database versions not stated): gnomAD exomes 0.00001; gnomAD 0.00003; TOPMed 0.00003; ExAC 0.00004.
gnomAD v4.1: 26 of 1,611,524 alleles (0.0016%); highest among the groups gnomAD compares: East Asian, 0.0045%; no homozygotes.

Submissions (3):

Mayo Clinic Laboratories, Mayo Clinic
Classification: Uncertain significance. Last evaluated: 2022-04-14. Review status: criteria provided, single submitter. Criteria: ACMG Guidelines, 2015. Collection method: clinical testing. Allele origin: germline. Observed: 1 variant allele.

Ambry Genetics
Classification: Uncertain significance for Cardiovascular phenotype. Last evaluated: 2019-12-04. Review status: criteria provided, single submitter. Criteria: Ambry Variant Classification Scheme 2023. Collection method: clinical testing. Allele origin: germline.
Comment: The p.E22550K variant (also known as c.67648G>A), located in coding exon 169 of the TTN gene, results from a G to A substitution at nucleotide position 67648. The glutamic acid at codon 22550 is replaced by lysine, an amino acid with similar properties. This amino acid position is well conserved in available vertebrate species. In addition, this alteration is predicted to be tolerated by in silico analysis. Since supporting evidence is limited at this time, the clinical significance of this alteration remains unclear.

Revvity Omics, Revvity
Classification: Uncertain significance. Last evaluated: 2019-07-24. Review status: criteria provided, single submitter. Criteria: ACMG Guidelines, 2015. Collection method: clinical testing. Allele origin: germline.